The following is an entry in ClinVar:

NM_000179.3(MSH6):c.3634G>T (p.Val1212Leu)

Gene: MSH6 (mutS homolog 6; plus strand). Cytogenetic location: 2p16.3.
Variant type: single nucleotide variant.
Coding change: c.3634G>T on transcript NM_000179.3 (MANE Select); coding-DNA position 3634, G replaced by T.
Protein change: p.Val1212Leu; replaces valine 1212 with leucine.
Molecular consequence: missense variant.
Genome position (GRCh38, 1-based): chr2:47,805,695, G>T. VCF-style: chr2-47805695-G-T. GRCh37 (hg19) VCF-style: chr2-48032834-G-T.
Other names: c.3244G>T, p.Val1082Leu (NM_001281492.2); c.2728G>T, p.Val910Leu (NM_001281493.2, NM_001281494.2); short protein forms V910L, V1082L, V1212L.
Identifiers: ClinVar variation 940856 (VCV000940856.13), dbSNP rs864622748, ClinGen allele CA346760610.

ClinVar aggregate classification (germline): Uncertain significance. Review status: criteria provided, multiple submitters, no conflicts (2 of 4 stars). 2 submissions from 2 submitters: Uncertain significance (2). Last evaluated 2024-12-17.

Conditions:
Hereditary nonpolyposis colorectal neoplasms. Identifiers: MedGen C0009405, MeSH D003123.
Hereditary cancer-predisposing syndrome. Also called: Hereditary neoplastic syndrome; Neoplastic Syndromes, Hereditary; Tumor predisposition; Hereditary Cancer Syndrome. Identifiers: Orphanet 140162, MedGen C0027672, MeSH D009386, MONDO:0015356.

Allele frequency attached by ClinVar (database versions not stated): TOPMed below 0.00001; gnomAD 0.00001.
gnomAD v4.1: 1 of 1,607,924 alleles (0.000062%); highest among the groups gnomAD compares: African/African-American, 0.0013%; no homozygotes.

Submissions (2):

Ambry Genetics
Classification: Uncertain significance for Hereditary cancer-predisposing syndrome. Last evaluated: 2024-12-17. Review status: criteria provided, single submitter. Criteria: Ambry Variant Classification Scheme 2023. Collection method: clinical testing. Allele origin: germline.
Comment: The p.V1212L variant (also known as c.3634G>T), located in coding exon 7 of the MSH6 gene, results from a G to T substitution at nucleotide position 3634. The valine at codon 1212 is replaced by leucine, an amino acid with highly similar properties. This amino acid position is not well conserved in available vertebrate species. In addition, this alteration is predicted to be tolerated by in silico analysis. Based on the available evidence, the clinical significance of this variant remains unclear.

Labcorp Genetics (formerly Invitae), Labcorp
Classification: Uncertain significance for Hereditary nonpolyposis colorectal neoplasms. Last evaluated: 2024-08-08. Review status: criteria provided, single submitter. Criteria: Invitae Variant Classification Sherloc (09022015). Collection method: clinical testing. Allele origin: germline.
Comment: This sequence change replaces valine, which is neutral and non-polar, with leucine, which is neutral and non-polar, at codon 1212 of the MSH6 protein (p.Val1212Leu). This variant is not present in population databases (gnomAD no frequency). This variant has not been reported in the literature in individuals affected with MSH6-related conditions. ClinVar contains an entry for this variant (Variation ID: 940856). Advanced modeling of protein sequence and biophysical properties (such as structural, functional, and spatial information, amino acid conservation, physicochemical variation, residue mobility, and thermodynamic stability) performed at Invitae indicates that this missense variant is not expected to disrupt MSH6 protein function with a negative predictive value of 95%. In summary, the available evidence is currently insufficient to determine the role of this variant in disease. Therefore, it has been classified as a Variant of Uncertain Significance.